The following is an entry in ClinVar:

NC_012920.1(MT-CYB):m.15672T>C

Gene: MT-CYB (mitochondrially encoded cytochrome b; plus strand).
Variant type: single nucleotide variant.
Genome position: chrM-15672-T-C.
Identifiers: ClinVar variation 693930 (VCV000693930.1), dbSNP rs199967113, ClinGen allele CA337100488.

ClinVar aggregate classification (germline): Benign (1 of 4 stars; one submission).

Conditions:
Leigh syndrome (NULS). Also called: Leigh's necrotizing encephalopathy; Leigh's disease; Leigh's syndrome; LEIGH SYNDROME, NUCLEAR; Leigh Syndrome (mtDNA deletion); Leigh Disease. Identifiers: Orphanet 506, MedGen C2931891, MONDO:0009723, OMIM 256000.

Submission:

Wong Mito Lab, Molecular and Human Genetics, Baylor College of Medicine
Classification: Benign for Leigh syndrome. Last evaluated: 2019-10-17. Review status: criteria provided, single submitter. Criteria: Modified ACMG Guidelines (Unpublished). Collection method: clinical testing. Allele origin: germline.
Comment: The NC_012920.1:m.15672T>C (YP_003024038.1:p.Met309Thr) variant in MTCYB gene is interpretated to be a Benign variant based on the modified ACMG guidelines (unpublished). This variant meets the following evidence codes: BS1, BS2, BP4